The following is an entry in ClinVar:

ClinVar aggregate classification (germline): Uncertain significance (0 of 4 stars; one submission).

Submission:

Diagnostics Centre, Carl Von Ossietzky University Oldenburg
Classification: Uncertain significance. Last evaluated: 2025-07-18. Review status: no assertion criteria provided. Collection method: clinical testing. Allele origin: germline. Affected: yes. Observed: 1 variant allele.
Comment: The variant DDX3X:c.1078C>G p.(Gln360Glu), located in the exon 11 of the DDX3X gene, results from a cytosine-to-guanine substitution at nucleotide position c.1078. The glutamine at protein position 360 is replaced by a glutamic acid. Missense variants in this gene or the affected region are a known disease mechanism and are rare in the general population. The affected protein region has significant levels of missense constrain. The affected position is located in the DEAD/DEAH box helicase functional domain of the protein. The variant has not yet been described in ClinVar or in any publications known to us. The variant is classified as very rare since it is absent in gnomAD v4.1.0. In summary, this variant is classified as a variant of unclear significance.

NM_001356.5(DDX3X):c.1078C>G (p.Gln360Glu)

Gene: DDX3X (DEAD-box helicase 3 X-linked; plus strand). Cytogenetic location: Xp11.4.
Variant type: single nucleotide variant.
Coding change: c.1078C>G on transcript NM_001356.5 (MANE Select); coding-DNA position 1078, C replaced by G.
Protein change: p.Gln360Glu; replaces glutamine 360 with glutamic acid.
Molecular consequence: missense variant. On other transcripts: non-coding transcript variant (1).
Genome position (GRCh38, 1-based): chrX:41,345,232, C>G. VCF-style: chrX-41345232-C-G. GRCh37 (hg19) VCF-style: chrX-41204485-C-G.
Other names: c.1078C>G, p.Gln360Glu (NM_001193416.3); c.1030C>G, p.Gln344Glu (NM_001193417.3); c.520C>G, p.Gln174Glu (NM_001363819.1); short protein forms Q174E, Q344E, Q360E.
Identifiers: ClinVar variation 4845255 (VCV004845255.1).